The following is an entry in ClinVar:

NM_024675.4(PALB2):c.97G>C (p.Ala33Pro)

Gene: PALB2 (partner and localizer of BRCA2; minus strand). Cytogenetic location: 16p12.2.
Variant type: single nucleotide variant.
Coding change: c.97G>C on transcript NM_024675.4 (MANE Select); coding-DNA position 97, G replaced by C.
Protein change: p.Ala33Pro; replaces alanine 33 with proline.
Molecular consequence: missense variant.
Genome position (GRCh38, 1-based): chr16:23,638,081, C>G on the plus strand (G>C on the coding strand, the complement: PALB2 is on the minus strand). VCF-style: chr16-23638081-C-G. GRCh37 (hg19) VCF-style: chr16-23649402-C-G.
Other names: short protein forms A33P.
Identifiers: ClinVar variation 569340 (VCV000569340.10), dbSNP rs747302288, ClinGen allele CA395139652.
Genomic context (GRCh38, chr16:23,638,081, plus strand): 5'-TAAATTGTTTGTACTATAACACCTTAATTTGAGAATACGATTCACTTACCTGAAGGCGGG[C>G]TAGTGTCTTGCTGTATTCCCTTTTCAAGAATGCTAATTTCTCCTTTAACTGGAAGAAGAA-3'
Protein context (NP_078951.2, residues 23-43): FLKREYSKTL[Ala33Pro]RLQRAQRAEK

ClinVar aggregate classification (germline): Conflicting classifications of pathogenicity. Review status: criteria provided, conflicting classifications (1 of 4 stars). 2 submissions from 2 submitters: Uncertain significance (1); Likely benign (1). Last evaluated 2024-01-08.

Conditions:
Hereditary breast ovarian cancer syndrome. Also called: Hereditary breast and ovarian cancer syndrome; Breast and ovarian cancer; Hereditary breast and ovarian cancer; Hereditary breast and/or ovarian cancer syndrome; Hereditary breast and ovarian cancer syndrome (HBOC); BRCA1- and BRCA2-Associated Hereditary Breast and Ovarian Cancer. Identifiers: Orphanet 145, MedGen C0677776, MeSH D061325, MONDO:0003582. Disease mechanism: loss of function.
Familial cancer of breast. Also called: hereditary breast carcinoma; BREAST CANCER, FAMILIAL; Hereditary breast cancer. Identifiers: Orphanet 227535, MedGen C0346153, MONDO:0016419, OMIM 114480. Disease mechanism: loss of function.

gnomAD v4.1: 1 of 1,613,908 alleles (0.000062%); highest among the groups gnomAD compares: Non-Finnish European, 0.000085%; no homozygotes.

Submissions (2):

German Consortium for Hereditary Breast and Ovarian Cancer, University Hospital Cologne
Classification: Likely benign for Hereditary breast ovarian cancer syndrome. Last evaluated: 2024-01-08. Review status: criteria provided, single submitter. Criteria: ACMG Guidelines, 2015. Collection method: curation. Allele origin: germline.
Comment: BP1; BP4; PM2_sup; BS2_sup. According to the ACMG standard criteria we chose these criteria: PM2 (supporting pathogenic): Absent from gnomAD, BP1 (supporting benign): True missense pathogenic variants in PALB2 are not yet confirmed or refuted but are thought to be exceedingly rare, BP4 (supporting benign): Splice prediction benign , BS3 (supporting benign): Own RNA-Analysis (blood derived RNA) revealed biallelic expression of variant in WT-transcript

Labcorp Genetics (formerly Invitae), Labcorp
Classification: Uncertain significance for Familial cancer of breast. Last evaluated: 2021-12-21. Review status: criteria provided, single submitter. Criteria: Invitae Variant Classification Sherloc (09022015). Collection method: clinical testing. Allele origin: germline.
Comment: In summary, the available evidence is currently insufficient to determine the role of this variant in disease. Therefore, it has been classified as a Variant of Uncertain Significance. Algorithms developed to predict the effect of missense changes on protein structure and function are either unavailable or do not agree on the potential impact of this missense change (SIFT: "Tolerated"; PolyPhen-2: "Probably Damaging"; Align-GVGD: "Class C0"). ClinVar contains an entry for this variant (Variation ID: 569340). This variant has not been reported in the literature in individuals affected with PALB2-related conditions. This variant is not present in population databases (gnomAD no frequency). This sequence change replaces alanine, which is neutral and non-polar, with proline, which is neutral and non-polar, at codon 33 of the PALB2 protein (p.Ala33Pro).